The following is an entry in ClinVar:

NM_001384474.1(LOXHD1):c.1912G>A (p.Val638Met)

Gene: LOXHD1 (lipoxygenase homology PLAT domains 1; minus strand). Cytogenetic location: 18q21.1.
Variant type: single nucleotide variant.
Coding change: c.1912G>A on transcript NM_001384474.1 (MANE Select); coding-DNA position 1912, G replaced by A.
Protein change: p.Val638Met; replaces valine 638 with methionine.
Molecular consequence: missense variant.
Genome position (GRCh38, 1-based): chr18:46,577,765, C>T on the plus strand (G>A on the coding strand, the complement: LOXHD1 is on the minus strand). VCF-style: chr18-46577765-C-T. GRCh37 (hg19) VCF-style: chr18-44157728-C-T.
Other names: c.1912G>A, p.Val638Met (NM_144612.7); short protein forms V638M.
Identifiers: ClinVar variation 228808 (VCV000228808.5), dbSNP rs876657854, ClinGen allele CA10577084.
Genomic context (GRCh38, chr18:46,577,765, plus strand): 5'-ACCTGAGACATGGGAACTCCACGTTGTCGCTCTCAGGCTGCCCCTCCTCTCTCACCAGCA[C>T]TCTGTCCAGGTACCAGCCGCTGCCGGAGCCTTTGCCATCGTGTCTGATCCTCACCCGCCT-3'
Protein context (NP_001371403.1, residues 628-648): GSGSGWYLDR[Val638Met]LVREEGQPES

ClinVar aggregate classification (germline): Uncertain significance. Review status: criteria provided, single submitter (1 of 4 stars). 2 submissions from 2 submitters: Uncertain significance (1). 1 of the submissions does not count toward it. Last evaluated 2015-02-16.

Conditions:
Autosomal recessive nonsyndromic hearing loss 77. Identifiers: Orphanet 90636, MedGen C2746083, MONDO:0013119, OMIM 613079.

Allele frequency attached by ClinVar (database versions not stated): gnomAD 0.00001; gnomAD exomes 0.00001; TOPMed 0.00002.
gnomAD v4.1: 27 of 1,551,590 alleles (0.0017%); highest among the groups gnomAD compares: Non-Finnish European, 0.0024%; no homozygotes.

Submissions (2):

Laboratory for Molecular Medicine, Mass General Brigham Personalized Medicine
Classification: Uncertain significance. Last evaluated: 2015-02-16. Review status: criteria provided, single submitter. Criteria: LMM Criteria. Collection method: clinical testing. Allele origin: germline. Observed: 1 variant allele.
Comment: The p.Val638Met variant in LOXHD1 has not been previously reported in individual s with hearing loss and was absent from large population studies. Computational prediction tools and conservation analyses suggest that the p.Val638Met variant may impact the protein, though this information is not predictive enough to dete rmine pathogenicity. In summary, the clinical significance of the p.Val638Met va riant is uncertain.

Natera, Inc.
Classification: Uncertain significance for Autosomal recessive deafness type 77. Last evaluated: 2020-08-31. Review status: no assertion criteria provided. Collection method: clinical testing. Allele origin: germline. Not counted in ClinVar's aggregate classification.